The following is an entry in ClinVar:

NM_005529.7(HSPG2):c.11072C>T (p.Thr3691Ile)

Gene: HSPG2 (heparan sulfate proteoglycan 2; minus strand). Cytogenetic location: 1p36.12.
Variant type: single nucleotide variant.
Coding change: c.11072C>T on transcript NM_005529.7 (MANE Select); coding-DNA position 11072, C replaced by T.
Protein change: p.Thr3691Ile; replaces threonine 3691 with isoleucine.
Molecular consequence: missense variant.
Genome position (GRCh38, 1-based): chr1:21,833,291, G>A on the plus strand (C>T on the coding strand, the complement: HSPG2 is on the minus strand). VCF-style: chr1-21833291-G-A. GRCh37 (hg19) VCF-style: chr1-22159784-G-A.
Other names: c.11075C>T, p.Thr3692Ile (NM_001291860.2); short protein forms T3691I, T3692I.
Identifiers: ClinVar variation 295725 (VCV000295725.57), dbSNP rs149159881, ClinGen allele CA669942.

ClinVar aggregate classification (germline): Conflicting classifications of pathogenicity. Review status: criteria provided, conflicting classifications (1 of 4 stars). 12 submissions from 11 submitters: Uncertain significance (2); Benign (3); Likely benign (5). 2 of the submissions do not count toward it. Last evaluated 2026-01-12.

Conditions:
HSPG2-related disorder. Also called: HSPG2-related condition; HSPG2-related disorders.
Schwartz-Jampel syndrome. Also called: Myotonic myopathy dwarfism chondrodystrophy and ocular and facial abnormalities. Identifiers: Orphanet 800, MedGen C0036391, MONDO:0009717.
Lethal Kniest-like syndrome (DDSH). Also called: Dyssegmental Dysplasia. Identifiers: Orphanet 1865, MedGen C1857100, MONDO:0009140, OMIM 224410.

Allele frequency attached by ClinVar (database versions not stated): ESP Exome Variant Server 0.00038; gnomAD 0.00049 and 0.00066; TOPMed 0.00056; gnomAD exomes 0.00079 and 0.00109; 1000 Genomes Project 30x 0.00094; 1000 Genomes Project 0.00100; ExAC 0.00114.
gnomAD v4.1: 1,279 of 1,614,134 alleles (0.079%); highest among the groups gnomAD compares: Middle Eastern, 0.51%; 7 homozygotes.

Submissions (12):

Labcorp Genetics (formerly Invitae), Labcorp
Classification: Benign. Last evaluated: 2026-01-12. Review status: criteria provided, single submitter. Criteria: Invitae Variant Classification Sherloc (09022015). Collection method: clinical testing. Allele origin: germline.

Athena Diagnostics
Classification: Benign. Last evaluated: 2025-10-31. Review status: criteria provided, single submitter. Criteria: Athena Diagnostics Criteria. Collection method: clinical testing. Allele origin: unknown.
Comment: The frequency of this variant in the general population is higher than would generally be expected for pathogenic variants in this gene.

Blueprint Genetics
Classification: Likely benign. Last evaluated: 2024-11-20. Review status: criteria provided, single submitter. Criteria: ACMG Guidelines, 2015. Collection method: clinical testing. Allele origin: germline.

CeGaT Center for Human Genetics Tuebingen
Classification: Likely benign. Last evaluated: 2023-03-01. Review status: criteria provided, single submitter. Criteria: CeGaT Center For Human Genetics Tuebingen Variant Classification Criteria Version 2. Collection method: clinical testing. Allele origin: germline. Affected: yes. Observed: 2 variant alleles.
Comment: HSPG2: BS2

GeneDx
Classification: Benign. Last evaluated: 2020-02-07. Review status: criteria provided, single submitter. Criteria: GeneDx Variant Classification Process June 2021. Collection method: clinical testing. Allele origin: germline. Affected: yes.

Fulgent Genetics
Classification: Uncertain significance for Lethal Kniest-like syndrome; Schwartz-Jampel syndrome type 1. Last evaluated: 2018-10-31. Review status: criteria provided, single submitter. Criteria: ACMG Guidelines, 2015. Collection method: clinical testing. Allele origin: unknown.

Eurofins Ntd Llc (ga)
Classification: Likely benign. Last evaluated: 2018-08-02. Review status: criteria provided, single submitter. Criteria: EGL ClinVar v180209 classification definitions. Collection method: clinical testing. Allele origin: germline. Observed: 1 variant allele, 1 heterozygote.

Illumina Laboratory Services, Illumina
Classification: Likely benign for Schwartz-Jampel syndrome type 1. Last evaluated: 2018-01-12. Review status: criteria provided, single submitter. Criteria: ICSL Variant Classification Criteria 13 December 2019. Collection method: clinical testing. Allele origin: germline.
Comment: This variant was observed in the ICSL laboratory as part of a predisposition screen in an ostensibly healthy population. It had not been previously curated by ICSL or reported in the Human Gene Mutation Database (HGMD: prior to June 1st, 2018), and was therefore a candidate for classification through an automated scoring system. Utilizing variant allele frequency, disease prevalence and penetrance estimates, and inheritance mode, an automated score was calculated to assess if this variant is too frequent to cause the disease. Based on the score and internal cut-off values, a variant classified as likely benign is not then subjected to further curation. The score for this variant resulted in a classification of likely benign for this disease.

Illumina Laboratory Services, Illumina
Classification: Likely benign for Lethal Kniest-like syndrome. Last evaluated: 2018-01-12. Review status: criteria provided, single submitter. Criteria: ICSL Variant Classification Criteria 13 December 2019. Collection method: clinical testing. Allele origin: germline.
Comment: the same text as in the submission from Illumina Laboratory Services, Illumina above.

ARUP Laboratories, Molecular Genetics and Genomics, ARUP Laboratories
Classification: Uncertain significance. Last evaluated: 2017-01-30. Review status: criteria provided, single submitter. Criteria: ARUP Molecular Germline Variant Investigation Process. Collection method: clinical testing. Allele origin: germline.

PreventionGenetics, part of Exact Sciences
Classification: Likely benign for HSPG2-related condition. Last evaluated: 2021-07-25. Review status: no assertion criteria provided. Collection method: clinical testing. Allele origin: germline. Not counted in ClinVar's aggregate classification.
Comment: This variant is classified as likely benign based on ACMG/AMP sequence variant interpretation guidelines (Richards et al. 2015 PMID: 25741868, with internal and published modifications).

Department of Pathology and Laboratory Medicine, Sinai Health System
Classification: Uncertain significance. Review status: no assertion criteria provided. Collection method: clinical testing. Allele origin: unknown. Affected: yes. Study: The Canadian Open Genetics Repository (COGR). Not counted in ClinVar's aggregate classification.

Literature cited by the submitters: PubMed 33652732 (cited by Athena Diagnostics).